The following is an entry in ClinVar:

NM_000548.5(TSC2):c.5259+7A>G

Gene: TSC2 (TSC complex subunit 2; plus strand). Cytogenetic location: 16p13.3.
Variant type: single nucleotide variant.
Coding change: c.5259+7A>G on transcript NM_000548.5 (MANE Select); 7 bases into the intron after coding-DNA position 5259, A replaced by G.
Molecular consequence: intron variant.
Genome position (GRCh38, 1-based): chr16:2,088,332, A>G. VCF-style: chr16-2088332-A-G. GRCh37 (hg19) VCF-style: chr16-2138333-A-G.
Other names: c.5190+7A>G (NM_001114382.3); c.5130+7A>G (NM_021055.3); c.5118+7A>G (NM_001370405.1); c.5061+7A>G (NM_001363528.2); c.5127+7A>G (NM_001370404.1); c.5058+7A>G (NM_001077183.3); c.4950+7A>G (NM_001318827.2); c.4527+7A>G (NM_001318831.2); and 2 more.
Identifiers: ClinVar variation 413754 (VCV000413754.12), dbSNP rs1060504122, ClinGen allele CA16615201.
Genomic context (GRCh38, chr16:2,088,332, plus strand): 5'-TACCCCTCCAAGTGGATTGCCCGGCTCCGCCACATCAAGCGGCTCCGCCAGCGGGTAGGG[A>G]ATATGGGGCTCCCTCAGCGGGGTGTGCTGGCTGCCCAAGCTGTGGGGCGGGTGTGTGGGC-3'

ClinVar aggregate classification (germline): Likely benign. Review status: criteria provided, multiple submitters, no conflicts (2 of 4 stars). 2 submissions from 2 submitters: Likely benign (2). Last evaluated 2025-08-27.

Conditions:
Tuberous sclerosis 2 (TSC2). Identifiers: Orphanet 805, MedGen C1860707, MONDO:0013199, OMIM 613254.

Allele frequency attached by ClinVar (database versions not stated): gnomAD exomes below 0.00001; TOPMed 0.00001.
gnomAD v4.1: 1 of 1,612,552 alleles (0.000062%); highest among the groups gnomAD compares: Non-Finnish European, 0.000085%; no homozygotes.

Submissions (2):

Labcorp Genetics (formerly Invitae), Labcorp
Classification: Likely benign for Tuberous sclerosis 2. Last evaluated: 2025-08-27. Review status: criteria provided, single submitter. Criteria: Invitae Variant Classification Sherloc (09022015). Collection method: clinical testing. Allele origin: germline.

Myriad Genetics, Inc.
Classification: Likely benign for Tuberous sclerosis 2. Last evaluated: 2025-06-06. Review status: criteria provided, single submitter. Criteria: Myriad Autosomal Dominant, Autosomal Recessive and X-Linked Classification Criteria (2023). Collection method: clinical testing. Allele origin: unknown.
Comment: This variant is considered likely benign. This variant is intronic and is not expected to impact mRNA splicing.